The following is an entry in ClinVar:

NM_000518.5(HBB):c.17_18del (p.Pro6fs)

Genes: HBB (hemoglobin subunit beta; minus strand), LOC106099062 (HBB recombination region; plus strand), LOC107133510 (origin of replication at HBB; plus strand). Cytogenetic location: 11p15.4.
Variant type: Deletion.
Coding change: c.17_18del on transcript NM_000518.5 (MANE Select); coding-DNA positions 17 to 18, 2 bases deleted (CT; older notation c.17_18delCT).
Protein change: p.Pro6fs; shifts the reading frame from proline 6.
Molecular consequence: frameshift variant.
Genome position (GRCh38, 1-based): chr11:5,227,004-5,227,005, AG deleted on the plus strand (CT on the coding strand, the reverse complement: HBB is on the minus strand). VCF-style (leftmost placement, unchanged base first): chr11-5227003-CAG-C. GRCh37 (hg19) VCF-style: chr11-5248233-CAG-C.
Other names: CD 5 -CT; c.17_18delCT (NM_000518.5); short protein forms P6fs.
Identifiers: ClinVar variation 15422 (VCV000015422.154), dbSNP rs34889882, ClinGen allele CA125288.

ClinVar aggregate classification (germline): Pathogenic. Review status: criteria provided, multiple submitters, no conflicts (2 of 4 stars). 24 submissions from 24 submitters: Pathogenic (19). 5 of the submissions do not count toward it. Last evaluated 2025-10-28.

Conditions:
Beta-thalassemia HBB/LCRB. Identifiers: MedGen CN322236, MONDO:0013517, OMIM 613985.
METHEMOGLOBINEMIA, BETA TYPE. Also called: Methemoglobinemia, beta-globin type. Identifiers: MedGen C1840779, OMIM 617971.
Hb SS disease (SCD). Also called: Sickle cell anemia; Sickle cell disease; HbS disease; Hemoglobin S Disease; Sickling disorder due to hemoglobin S; Hemoglobin SS. Identifiers: Orphanet 232, Orphanet 275752, MedGen C0002895, MONDO:0011382, OMIM 603903.
Dominant beta-thalassemia. Also called: Beta-thalassemia, dominant inclusion body type. Identifiers: Orphanet 231226, Orphanet 848, MedGen C1858990, MONDO:0011381, OMIM 603902.
Erythrocytosis, familial, 6. Also called: ERYTHROCYTOSIS, BETA-GLOBIN TYPE; POLYCYTHEMIA, BETA-GLOBIN TYPE. Identifiers: MedGen C4693822, MONDO:0054801, OMIM 617980.
Heinz body anemia. Also called: Heinz body hemolytic anemia. Identifiers: Orphanet 178330, MedGen C0700299, MONDO:0007705, OMIM 140700, HP:0005511.
Malaria, susceptibility to. Identifiers: Orphanet 673, MedGen C1970028, MONDO:0021024, OMIM 611162.
Hereditary persistence of fetal hemoglobin. Identifiers: MedGen C0019025, MONDO:0020989, OMIM 141749.
HBB-related disorder. Also called: HBB-related condition; HBB-related disorders. Identifiers: MedGen CN239378.
beta Thalassemia (BTHAL). Also called: Cooley's anemia; Erythroblastic anemia; Mediterranean anemia. Identifiers: Orphanet 848, MedGen C0005283, MONDO:0019402. Disease mechanism: loss of function.
Beta zero thalassemia. Identifiers: MedGen C0271980.

Allele frequency attached by ClinVar (database versions not stated): gnomAD below 0.00001 and 0.00004; ExAC 0.00001; TOPMed 0.00001; gnomAD exomes 0.00002 and 0.00004.

Submissions 1 to 13 of 24:

Natera, Inc.
Classification: Pathogenic for Beta thalassemia. Last evaluated: 2025-10-28. Review status: criteria provided, single submitter. Criteria: Natera Variant Classification Schema (03/2026). Collection method: clinical testing. Allele origin: germline.
Comment: The c.17_18delCT variant in HBB is a frameshift variant predicted to shift the reading frame beginning at codon 6 and leads to a stop codon 17 codons downstream. This variant is expected to result in nonsense mediated decay, truncation, or a dysfunctional protein product. This variant is rare in the general population with a frequency below the threshold expected for the associated phenotype(s). This variant has been observed in one or more individuals affected with the associated recessive disease, as either homozygous or compound heterozygous with a second variant (PMID: 28361595, 34258108). Given the available evidence, this variant is classified as Pathogenic.

Institute of Immunology and Genetics Kaiserslautern
Classification: Pathogenic for Beta-thalassemia HBB/LCRB. Last evaluated: 2025-10-20. Review status: criteria provided, single submitter. Criteria: ACMG Guidelines, 2015. Collection method: clinical testing. Allele origin: germline.
Comment: ACMG Criteria: PVS1, PS4, PM3, PP5 ; Variant was found in heterozygous state.

CeGaT Center for Human Genetics Tuebingen
Classification: Pathogenic. Last evaluated: 2025-10-01. Review status: criteria provided, single submitter. Criteria: CeGaT Center For Human Genetics Tuebingen Variant Classification Criteria Version 2. Collection method: clinical testing. Allele origin: germline. Affected: yes. Observed: 3 variant alleles.
Comment: HBB: PS4, PVS1:Strong, PM2

3billion
Classification: Pathogenic for Hb SS disease. Last evaluated: 2025-07-08. Review status: criteria provided, single submitter. Criteria: ACMG Guidelines, 2015. Collection method: clinical testing. Allele origin: germline. Affected: yes.
Comment: The variant is observed at an extremely low frequency in the gnomAD v4.1.0 dataset (total allele frequency: 0.002%). Predicted Consequence/Location: Frameshift: predicted to result in a loss or disruption of normal protein function through nonsense-mediated decay (NMD) or protein truncation. Multiple pathogenic variants are reported downstream of the variant. The variant is in trans with the other variant. The variant has been reported at least twice as pathogenic with clinical assertions and evidence for the classification (ClinVar ID: VCV000015422 /PMID: 2606727 /3billion dataset). Therefore, this variant is classified as Pathogenic according to the recommendation of ACMG/AMP guideline.

ARUP Laboratories, Molecular Genetics and Genomics, ARUP Laboratories
Classification: Pathogenic. Last evaluated: 2025-07-07. Review status: criteria provided, single submitter. Criteria: ARUP Molecular Germline Variant Investigation Process 2024. Collection method: clinical testing. Allele origin: germline.
Comment: The HBB c.17_18delCT; p.Pro6ArgfsTer17 variant (rs34889882, HbVarID: 783, ClinVar Variation ID: 15422), also known as Codon 5 (-CT) or Pro5fs when numbered from the mature protein, has been reported in the literature in an individual with beta(0) thalassemia (Kollia 1989, HbVar database and references therein). This variant is found in the general population with an overall allele frequency of 0.004% (11/251156 alleles) in the Genome Aggregation Database (v2.1.1). This variant causes a frameshift by deleting 2 nucleotides, so it is predicted to result in a truncated protein or mRNA subject to nonsense-mediated decay. Based on available information, this variant is considered to be pathogenic. References: Link to HbVar database: Kollia et al. Frameshift codon 5 (Fsc-5 (-CT)) thalassemia; a novel mutation detected in a Greek patient. Hemoglobin. 1989;13(6):597-604. PMID: 2606727.

Center for Genomic Medicine, Rigshospitalet, Copenhagen University Hospital
Classification: Pathogenic. Last evaluated: 2025-03-04. Review status: criteria provided, single submitter. Criteria: ACMG Guidelines, 2015. Collection method: clinical testing. Allele origin: germline.

Variantyx, Inc.
Classification: Pathogenic for Beta-thalassemia HBB/LCRB. Last evaluated: 2025-03-03. Review status: criteria provided, single submitter. Criteria: Variantyx Assertion Criteria 2022. Collection method: clinical testing. Allele origin: germline. Inheritance: Autosomal recessive inheritance. Affected: no.
Comment: This is a frameshift variant in the HBB gene (OMIM: 141900). Pathogenic variants in this gene have been associated with autosomal recessive beta-thalassemia. This variant introduces a premature termination codon in exon 1 out of 3 and is expected to result in loss of function, which is a known disease mechanism for HBB in this disorder (PMID: 23637309) (PVS1). This variant, also known as FSC-5, has been identified in the homozygous or compound heterozygous state in one or more of the following: the current proband, and at least three individuals reported in the published literature (PMID: 2606727, 30777047, 33491330) (PM3). This variant has a 0.0319% maximum allele frequency in non-founder control populations (PM2). Based on the current evidence, this variant is classified as pathogenic for autosomal recessive beta-thalassemia. Carriers are not at risk for beta-thalassemia, but may have mild anemia (PMID: 20301599).

Institute of Human Genetics, University of Leipzig Medical Center
Classification: Pathogenic for Dominant beta-thalassemia. Last evaluated: 2024-12-27. Review status: criteria provided, single submitter. Criteria: ACMG Guidelines, 2015. Collection method: clinical testing. Allele origin: unknown. Inheritance: Autosomal dominant inheritance. Affected: yes.
Comment: Criteria applied: PVS1,PS4,PM2_SUP

Fulgent Genetics
Classification: Pathogenic for Heinz body anemia; Hereditary persistence of fetal hemoglobin; Dominant beta-thalassemia; Hb SS disease; Malaria, susceptibility to; Beta-thalassemia HBB/LCRB; METHEMOGLOBINEMIA, BETA TYPE; Erythrocytosis, familial, 6. Last evaluated: 2024-04-27. Review status: criteria provided, single submitter. Criteria: ACMG Guidelines, 2015. Collection method: clinical testing. Allele origin: germline.

Revvity Omics, Revvity
Classification: Pathogenic. Last evaluated: 2024-04-04. Review status: criteria provided, single submitter. Criteria: ACMG Guidelines, 2015. Collection method: clinical testing. Allele origin: germline.

Blueprint Genetics
Classification: Pathogenic for HBB-related disorders. Last evaluated: 2024-03-01. Review status: criteria provided, single submitter. Criteria: ACMG Guidelines, 2015. Collection method: clinical testing. Allele origin: germline. Affected: yes. Observed: 5 variant alleles.

Laboratory of Medical Genetics, National & Kapodistrian University of Athens
Classification: Pathogenic for Beta-thalassemia HBB/LCRB. Last evaluated: 2024-02-01. Review status: criteria provided, single submitter. Criteria: ACMG Guidelines, 2015. Collection method: curation. Allele origin: germline. Affected: no.

Labcorp Genetics (formerly Invitae), Labcorp
Classification: Pathogenic. Last evaluated: 2023-12-30. Review status: criteria provided, single submitter. Criteria: Invitae Variant Classification Sherloc (09022015). Collection method: clinical testing. Allele origin: germline.
Comment: This sequence change creates a premature translational stop signal (p.Pro6Argfs*17) in the HBB gene. It is expected to result in an absent or disrupted protein product. Loss-of-function variants in HBB are known to be pathogenic (PMID: 23637309). This variant is present in population databases (rs34889882, gnomAD 0.04%). This premature translational stop signal has been observed in individual(s) with beta thalassemia (PMID: 2606727). This variant is also known as Pro5fs and FSC-5(-CT). ClinVar contains an entry for this variant (Variation ID: 15422). Algorithms developed to predict the effect of sequence changes on RNA splicing suggest that this variant may disrupt the consensus splice site. For these reasons, this variant has been classified as Pathogenic.